The following is an entry in ClinVar:

NM_001369.3(DNAH5):c.9235C>T (p.Arg3079Ter)

Gene: DNAH5 (dynein axonemal heavy chain 5; minus strand). Cytogenetic location: 5p15.2.
Variant type: single nucleotide variant.
Coding change: c.9235C>T on transcript NM_001369.3 (MANE Select); coding-DNA position 9235, C replaced by T.
Protein change: p.Arg3079Ter; replaces arginine 3079 with a stop codon.
Molecular consequence: nonsense.
Genome position (GRCh38, 1-based): chr5:13,776,577, G>A on the plus strand (C>T on the coding strand, the complement: DNAH5 is on the minus strand). VCF-style: chr5-13776577-G-A. GRCh37 (hg19) VCF-style: chr5-13776686-G-A.
Other names: short protein forms R3079*.
Identifiers: ClinVar variation 575414 (VCV000575414.11), dbSNP rs1175877764, ClinGen allele CA359208925.
Genomic context (GRCh38, chr5:13,776,577, plus strand): 5'-CTCTGTTTCGAAATTTCTCCCCCACTGGCGAGAAGCAGAGCACAATATGAAGGTTCTGTC[G>A]GACCCGACTCATGAAGTAGTCGTGCAGGTTCTCATTGGTAGGAAGGCACCTGGGGAATTC-3'

ClinVar aggregate classification (germline): Pathogenic. Review status: criteria provided, multiple submitters, no conflicts (2 of 4 stars). 4 submissions from 4 submitters: Pathogenic (4). Last evaluated 2025-01-09.

Conditions:
Primary ciliary dyskinesia 3. Identifiers: Orphanet 244, MedGen C1837618, MONDO:0012085, OMIM 608644.
DNAH5-related disorder. Also called: DNAH5-related condition.
Primary ciliary dyskinesia. Also called: Ciliary dyskinesia. Identifiers: Orphanet 244, MedGen C0008780, MONDO:0016575, HP:0012265.

Allele frequency attached by ClinVar (database versions not stated): gnomAD exomes below 0.00001.
gnomAD v4.1: 6 of 1,613,898 alleles (0.00037%); highest among the groups gnomAD compares: Non-Finnish European, 0.00051%; no homozygotes.

Submissions (4):

PreventionGenetics, part of Exact Sciences
Classification: Pathogenic for DNAH5-related condition. Last evaluated: 2025-01-09. Review status: criteria provided, single submitter. Criteria: ACMG Guidelines, 2015. Collection method: clinical testing. Allele origin: germline.
Comment: The DNAH5 c.9235C>T variant is predicted to result in premature protein termination (p.Arg3079*). This variant has been reported in an individual with primary ciliary dyskinesia (Guo et al. 2020. PubMed ID: 32502479). This variant has not been reported in a large population database (gnomAD), indicating this variant is rare. Nonsense variants in DNAH5 are expected to be pathogenic. This variant is interpreted as pathogenic.

Fulgent Genetics
Classification: Pathogenic for Primary ciliary dyskinesia 3. Last evaluated: 2024-05-25. Review status: criteria provided, single submitter. Criteria: ACMG Guidelines, 2015. Collection method: clinical testing. Allele origin: germline.

Natera, Inc.
Classification: Pathogenic for Primary ciliary dyskinesia. Last evaluated: 2024-04-10. Review status: criteria provided, single submitter. Criteria: Natera Variant Classification Schema (03/2026). Collection method: clinical testing. Allele origin: germline.
Comment: The c.9235C>T variant in DNAH5 is a nonsense variant predicted to introduce a stop codon at amino acid 3079. This variant is expected to result in nonsense mediated decay, truncation, or a dysfunctional protein product. This variant is rare in the general population with a frequency below the threshold expected for the associated phenotype(s). This variant has been observed in one or more individuals affected with the associated recessive disease, as either homozygous or compound heterozygous with a second variant (PMID: 32502479). Given the available evidence, this variant is classified as Pathogenic.

Labcorp Genetics (formerly Invitae), Labcorp
Classification: Pathogenic for Primary ciliary dyskinesia. Last evaluated: 2023-12-30. Review status: criteria provided, single submitter. Criteria: Invitae Variant Classification Sherloc (09022015). Collection method: clinical testing. Allele origin: germline.
Comment: This sequence change creates a premature translational stop signal (p.Arg3079*) in the DNAH5 gene. It is expected to result in an absent or disrupted protein product. Loss-of-function variants in DNAH5 are known to be pathogenic (PMID: 11788826, 16627867). This variant is not present in population databases (gnomAD no frequency). This premature translational stop signal has been observed in individual(s) with primary ciliary dyskinesia (PMID: 32502479). ClinVar contains an entry for this variant (Variation ID: 575414). For these reasons, this variant has been classified as Pathogenic.

Literature cited by the submitters: PubMed 32502479 (cited by Natera, Inc. and Labcorp Genetics (formerly Invitae), Labcorp); PubMed 11788826 (cited by Labcorp Genetics (formerly Invitae), Labcorp); PubMed 16627867 (cited by Labcorp Genetics (formerly Invitae), Labcorp).